The following is an entry in ClinVar:

NM_020458.4(TTC7A):c.884T>C (p.Leu295Pro)

Gene: TTC7A (tetratricopeptide repeat domain 7A; plus strand). Cytogenetic location: 2p21.
Variant type: single nucleotide variant.
Coding change: c.884T>C on transcript NM_020458.4 (MANE Select); coding-DNA position 884, T replaced by C.
Protein change: p.Leu295Pro; replaces leucine 295 with proline.
Molecular consequence: missense variant. On other transcripts: intron variant (1).
Genome position (GRCh38, 1-based): chr2:46,994,397, T>C. VCF-style: chr2-46994397-T-C. GRCh37 (hg19) VCF-style: chr2-47221536-T-C.
Other names: c.884T>C, p.Leu295Pro (NM_001288951.2); c.782T>C, p.Leu261Pro (NM_001288953.2); c.-61-739T>C (NM_001288955.2); short protein forms L261P, L295P.
Identifiers: ClinVar variation 4742878 (VCV004742878.1).

ClinVar aggregate classification (germline): Uncertain significance (1 of 4 stars; one submission).

Conditions:
Multiple gastrointestinal atresias. Also called: FAMILIAL INTESTINAL POLYATRESIA SYNDROME; Multiple intestinal atresia. Identifiers: Orphanet 2300, MedGen C0220744, MONDO:0009465.

Submission:

Labcorp Genetics (formerly Invitae), Labcorp
Classification: Uncertain significance for Multiple gastrointestinal atresias. Last evaluated: 2025-04-11. Review status: criteria provided, single submitter. Criteria: Invitae Variant Classification Sherloc (09022015). Collection method: clinical testing. Allele origin: germline.
Comment: This sequence change replaces leucine, which is neutral and non-polar, with proline, which is neutral and non-polar, at codon 295 of the TTC7A protein (p.Leu295Pro). This variant is present in population databases (no rsID available, gnomAD 0.007%). This variant has not been reported in the literature in individuals affected with TTC7A-related conditions. Invitae Evidence Modeling of protein sequence and biophysical properties (such as structural, functional, and spatial information, amino acid conservation, physicochemical variation, residue mobility, and thermodynamic stability) indicates that this missense variant is expected to disrupt TTC7A protein function with a positive predictive value of 80%. In summary, the available evidence is currently insufficient to determine the role of this variant in disease. Therefore, it has been classified as a Variant of Uncertain Significance.